The following is an entry in ClinVar:

NM_002439.5(MSH3):c.1376del (p.Asp459fs)

Gene: MSH3 (mutS homolog 3; plus strand). Cytogenetic location: 5q14.1.
Variant type: Deletion.
Coding change: c.1376del on transcript NM_002439.5 (MANE Select); coding-DNA position 1376, one base deleted (A; older notation c.1376delA).
Protein change: p.Asp459fs; shifts the reading frame from aspartic acid 459.
Molecular consequence: frameshift variant.
Genome position (GRCh38, 1-based): chr5:80,725,488, A deleted. VCF-style (leftmost placement, unchanged base first): chr5-80725487-GA-G. GRCh37 (hg19) VCF-style: chr5-80021306-GA-G.
Other names: short protein forms D459fs.
Identifiers: ClinVar variation 2565628 (VCV002565628.2), dbSNP rs2546752982, ClinGen allele CA2580613575.

ClinVar aggregate classification (germline): Pathogenic (1 of 4 stars; one submission).

Conditions:
Hereditary cancer-predisposing syndrome. Also called: Neoplastic Syndromes, Hereditary; Hereditary Cancer Syndrome; Hereditary neoplastic syndrome; Tumor predisposition. Identifiers: Orphanet 140162, MedGen C0027672, MeSH D009386, MONDO:0015356.

Submission:

Ambry Genetics
Classification: Pathogenic for Hereditary cancer-predisposing syndrome. Last evaluated: 2023-03-22. Review status: criteria provided, single submitter. Criteria: Ambry Variant Classification Scheme 2023. Collection method: clinical testing. Allele origin: germline.
Comment: The c.1376delA pathogenic mutation, located in coding exon 9 of the MSH3 gene, results from a deletion of one nucleotide at nucleotide position 1376, causing a translational frameshift with a predicted alternate stop codon (p.D459Vfs*37). This variant is considered to be rare based on population cohorts in the Genome Aggregation Database (gnomAD). This alteration is expected to result in loss of function by premature protein truncation or nonsense-mediated mRNA decay. As such, this alteration is interpreted as a disease-causing mutation.